The following is an entry in ClinVar:

NM_016222.4(DDX41):c.1030G>A (p.Asp344Asn)

Gene: DDX41 (DEAD-box helicase 41; minus strand). Cytogenetic location: 5q35.3.
Variant type: single nucleotide variant.
Coding change: c.1030G>A on transcript NM_016222.4 (MANE Select); coding-DNA position 1030, G replaced by A.
Protein change: p.Asp344Asn; replaces aspartic acid 344 with asparagine.
Molecular consequence: missense variant.
Genome position (GRCh38, 1-based): chr5:177,513,753, C>T on the plus strand (G>A on the coding strand, the complement: DDX41 is on the minus strand). VCF-style: chr5-177513753-C-T. GRCh37 (hg19) VCF-style: chr5-176940754-C-T.
Other names: c.652G>A, p.Asp218Asn (NM_001321732.2, NM_001321830.2); short protein forms D218N, D344N.
Identifiers: ClinVar variation 4841787 (VCV004841787.1).

ClinVar aggregate classification (germline): Uncertain significance (1 of 4 stars; one submission).

Conditions:
Inborn genetic diseases. Identifiers: MedGen C0950123, MeSH D030342.

Submission:

Ambry Genetics
Classification: Uncertain significance for Inborn genetic diseases. Last evaluated: 2025-12-24. Review status: criteria provided, single submitter. Criteria: Ambry Variant Classification Scheme 2023. Collection method: clinical testing. Allele origin: germline.
Comment: The p.D344N variant (also known as c.1030G>A), located in coding exon 10 of the DDX41 gene, results from a G to A substitution at nucleotide position 1030. The aspartic acid at codon 344 is replaced by asparagine, an amino acid with highly similar properties. This amino acid position is highly conserved in available vertebrate species. In addition, this alteration is predicted to be deleterious by in silico analysis. Based on the available evidence, the clinical significance of this variant remains unclear.